The following is an entry in ClinVar:

ClinVar aggregate classification (germline): Uncertain significance (1 of 4 stars; one submission).

gnomAD v4.1: 1 of 1,613,416 alleles (0.000062%); no homozygotes.

Submission:

Labcorp Genetics (formerly Invitae), Labcorp
Classification: Uncertain significance. Last evaluated: 2024-05-07. Review status: criteria provided, single submitter. Criteria: Invitae Variant Classification Sherloc (09022015). Collection method: clinical testing. Allele origin: germline.
Comment: This sequence change affects codon 181 of the KMT2B mRNA. It is a 'silent' change, meaning that it does not change the encoded amino acid sequence of the KMT2B protein. This variant is not present in population databases (gnomAD no frequency). This variant has not been reported in the literature in individuals affected with KMT2B-related conditions. Algorithms developed to predict the effect of sequence changes on RNA splicing suggest that this variant may create or strengthen a splice site. In summary, the available evidence is currently insufficient to determine the role of this variant in disease. Therefore, it has been classified as a Variant of Uncertain Significance.

NM_014727.3(KMT2B):c.543G>A (p.Arg181=)

Gene: KMT2B (lysine methyltransferase 2B; plus strand). Cytogenetic location: 19q13.12.
Variant type: single nucleotide variant.
Coding change: c.543G>A on transcript NM_014727.3 (MANE Select); coding-DNA position 543, G replaced by A.
Protein change: p.Arg181=; no amino-acid change (arginine 181 retained).
Molecular consequence: synonymous variant.
Genome position (GRCh38, 1-based): chr19:35,719,890, G>A. VCF-style: chr19-35719890-G-A. GRCh37 (hg19) VCF-style: chr19-36210792-G-A.
Identifiers: ClinVar variation 3613318 (VCV003613318.2).
Genomic context (GRCh38, chr19:35,719,890, plus strand): 5'-TCCTCCTCCTCGCCTAGCAGATGTGGCTCCTACCCCCCCAAAGACCCCTGCCCGGAAACG[G>A]GGTGAGGAAGGCACAGAACGGATGGTGCAGGCACTGACTGAACTTCTCCGGCGGGCCCAG-3'
Protein context (NP_055542.1, residues 171-191): PTPPKTPARK[Arg181=]GEEGTERMVQ